The following is an entry in ClinVar:

NM_007294.4(BRCA1):c.4048G>C (p.Gly1350Arg)

Genes: BRCA1 (BRCA1 DNA repair associated; minus strand), LOC126862571 (BRD4-independent group 4 enhancer GRCh37_chr17:41243136-41244335; plus strand). Cytogenetic location: 17q21.31.
Variant type: single nucleotide variant.
Coding change: c.4048G>C on transcript NM_007294.4 (MANE Select); coding-DNA position 4048, G replaced by C.
Protein change: p.Gly1350Arg; replaces glycine 1350 with arginine.
Molecular consequence: missense variant. On other transcripts: intron variant (135).
Genome position (GRCh38, 1-based): chr17:43,091,483, C>G on the plus strand (G>C on the coding strand, the complement: BRCA1 is on the minus strand). VCF-style: chr17-43091483-C-G. GRCh37 (hg19) VCF-style: chr17-41243500-C-G.
Other names: c.3781G>C, p.Gly1261Arg (NM_001407932.1, NM_001407934.1, NM_001407936.1 and 2 more transcripts); c.3784G>C, p.Gly1262Arg (NM_001407933.1, NM_001407935.1, NM_001407920.1 and 9 more transcripts); c.3925G>C, p.Gly1309Arg (NM_001407937.1, NM_001407938.1, NM_001407939.1 and 19 more transcripts); c.3922G>C, p.Gly1308Arg (NM_001407940.1, NM_001407941.1, NM_001407649.1 and 11 more transcripts); c.3907G>C, p.Gly1303Arg (NM_001407942.1, NM_001407944.1, NM_001407945.1 and 29 more transcripts); c.3904G>C, p.Gly1302Arg (NM_001407943.1, NM_001407964.1, NM_001407740.1 and 20 more transcripts); c.3715G>C, p.Gly1239Arg (NM_001407946.1, NM_001407947.1, NM_001407948.1 and 6 more transcripts); c.3712G>C, p.Gly1238Arg (NM_001407954.1, NM_001407955.1, NM_001407956.1 and 1 more transcripts); and 41 more; short protein forms G1350R, G1303R, G1054R, G1182R, G1239R, G1261R, G1262R, G1323R.
Identifiers: ClinVar variation 462630 (VCV000462630.12), dbSNP rs748674194, ClinGen allele CA10593865.

ClinVar aggregate classification (germline): Conflicting classifications of pathogenicity. Review status: criteria provided, conflicting classifications (1 of 4 stars). 2 submissions from 2 submitters: Uncertain significance (1); Likely benign (1). Last evaluated 2023-03-23.

Conditions:
Hereditary breast ovarian cancer syndrome. Also called: Hereditary breast and ovarian cancer syndrome (HBOC); Hereditary breast and ovarian cancer syndrome; Breast and ovarian cancer; Hereditary breast and/or ovarian cancer syndrome; Hereditary breast and ovarian cancer; BRCA1- and BRCA2-Associated Hereditary Breast and Ovarian Cancer. Identifiers: Orphanet 145, MedGen C0677776, MeSH D061325, MONDO:0003582. Disease mechanism: loss of function.
Hereditary cancer-predisposing syndrome. Also called: Neoplastic Syndromes, Hereditary; Hereditary Cancer Syndrome; Hereditary neoplastic syndrome; Tumor predisposition. Identifiers: Orphanet 140162, MedGen C0027672, MeSH D009386, MONDO:0015356.

Submissions (2):

University of Washington Department of Laboratory Medicine, University of Washington
Classification: Likely benign for Hereditary cancer-predisposing syndrome. Last evaluated: 2023-03-23. Review status: criteria provided, single submitter. Criteria: Dines et al. (Genet Med. 2020). Collection method: curation. Allele origin: germline.
Comment: Missense variant in a coldspot region where missense variants are very unlikely to be pathogenic (PMID:31911673).

BRCA1 coldspot (exon 11 using historical exon numbering). Reclassification based on statistical prior probability

Labcorp Genetics (formerly Invitae), Labcorp
Classification: Uncertain significance for Hereditary breast ovarian cancer syndrome. Last evaluated: 2022-06-13. Review status: criteria provided, single submitter. Criteria: Invitae Variant Classification Sherloc (09022015). Collection method: clinical testing. Allele origin: germline.
Comment: In summary, the available evidence is currently insufficient to determine the role of this variant in disease. Therefore, it has been classified as a Variant of Uncertain Significance. Advanced modeling of protein sequence and biophysical properties (such as structural, functional, and spatial information, amino acid conservation, physicochemical variation, residue mobility, and thermodynamic stability) performed at Invitae indicates that this missense variant is not expected to disrupt BRCA1 protein function. ClinVar contains an entry for this variant (Variation ID: 462630). This sequence change replaces glycine, which is neutral and non-polar, with arginine, which is basic and polar, at codon 1350 of the BRCA1 protein (p.Gly1350Arg). This variant is not present in population databases (gnomAD no frequency). This variant has not been reported in the literature in individuals affected with BRCA1-related conditions.